The following is an entry in ClinVar:

NM_032520.5(GNPTG):c.343A>C (p.Asn115His)

Gene: GNPTG (N-acetylglucosamine-1-phosphate transferase subunit gamma; plus strand). Cytogenetic location: 16p13.3.
Variant type: single nucleotide variant.
Coding change: c.343A>C on transcript NM_032520.5 (MANE Select); coding-DNA position 343, A replaced by C.
Protein change: p.Asn115His; replaces asparagine 115 with histidine.
Molecular consequence: missense variant.
Genome position (GRCh38, 1-based): chr16:1,362,063, A>C. VCF-style: chr16-1362063-A-C. GRCh37 (hg19) VCF-style: chr16-1412064-A-C.
Other names: short protein forms N115H.
Identifiers: ClinVar variation 2052837 (VCV002052837.1), dbSNP rs1188166933, ClinGen allele CA394187234.

ClinVar aggregate classification (germline): Uncertain significance (1 of 4 stars; one submission).

Submission:

Labcorp Genetics (formerly Invitae), Labcorp
Classification: Uncertain significance. Last evaluated: 2021-12-29. Review status: criteria provided, single submitter. Criteria: Invitae Variant Classification Sherloc (09022015). Collection method: clinical testing. Allele origin: germline.
Comment: This sequence change replaces asparagine, which is neutral and polar, with histidine, which is basic and polar, at codon 115 of the GNPTG protein (p.Asn115His). This variant is not present in population databases (gnomAD no frequency). This variant has not been reported in the literature in individuals affected with GNPTG-related conditions. Algorithms developed to predict the effect of missense changes on protein structure and function (SIFT, PolyPhen-2, Align-GVGD) all suggest that this variant is likely to be disruptive. In summary, the available evidence is currently insufficient to determine the role of this variant in disease. Therefore, it has been classified as a Variant of Uncertain Significance.